The following is an entry in ClinVar:

ClinVar aggregate classification (germline): Likely pathogenic (1 of 4 stars; one submission).

Conditions:
Ehlers-Danlos syndrome, type 4 (EDSVASC). Also called: Ehlers-Danlos syndrome vascular type; Ehlers Danlos syndrome, ecchymotic type; Ehlers Danlos syndrome, arterial type; Ehlers Danlos syndrome, Sack-Barabas type; Ehlers-Danlos Syndrome Type IV. Identifiers: Orphanet 286, MedGen C0268338, MONDO:0017314, OMIM 130050.

Submission:

Labcorp Genetics (formerly Invitae), Labcorp
Classification: Likely pathogenic for Ehlers-Danlos syndrome, type 4. Last evaluated: 2023-05-01. Review status: criteria provided, single submitter. Criteria: Invitae Variant Classification Sherloc (09022015). Collection method: clinical testing. Allele origin: germline.
Comment: This sequence change replaces glycine, which is neutral and non-polar, with arginine, which is basic and polar, at codon 660 of the COL3A1 protein (p.Gly660Arg). This variant is not present in population databases (gnomAD no frequency). This variant has not been reported in the literature in individuals affected with COL3A1-related conditions. Experimental studies and prediction algorithms are not available or were not evaluated, and the functional significance of this variant is currently unknown. Algorithms developed to predict the effect of sequence changes on RNA splicing suggest that this variant may disrupt the consensus splice site. This variant disrupts the triple helix domain of COL3A1. Glycine residues within the Gly-Xaa-Yaa repeats of the triple helix domain are required for the structure and stability of fibrillar collagens (PMID: 7695699, 8218237, 19344236). In COL3A1, variants that affect these glycine residues are significantly enriched in individuals with disease (PMID: 24922459, 25758994) compared to the general population (ExAC). This variant disrupts the p.Gly660 amino acid residue in COL3A1. Other variant(s) that disrupt this residue have been observed in individuals with COL3A1-related conditions (PMID: 10706896; Invitae), which suggests that this may be a clinically significant amino acid residue. In summary, the currently available evidence indicates that the variant is pathogenic, but additional data are needed to prove that conclusively. Therefore, this variant has been classified as Likely Pathogenic.

Literature cited by the submitters: PubMed 7695699; PubMed 8218237; PubMed 19344236; PubMed 24922459; PubMed 25758994; PubMed 10706896.

NM_000090.4(COL3A1):c.1978G>C (p.Gly660Arg)

Gene: COL3A1 (collagen type III alpha 1 chain; plus strand). Cytogenetic location: 2q32.2.
Variant type: single nucleotide variant.
Coding change: c.1978G>C on transcript NM_000090.4 (MANE Select); coding-DNA position 1978, G replaced by C.
Protein change: p.Gly660Arg; replaces glycine 660 with arginine.
Molecular consequence: missense variant.
Genome position (GRCh38, 1-based): chr2:188,998,674, G>C. VCF-style: chr2-188998674-G-C. GRCh37 (hg19) VCF-style: chr2-189863400-G-C.
Other names: short protein forms G660R.
Identifiers: ClinVar variation 2849569 (VCV002849569.3), dbSNP rs1688384382, ClinGen allele CA349854257.